The following is an entry in ClinVar:

NM_001195263.2(PDZD7):c.2410G>A (p.Ala804Thr)

Gene: PDZD7 (PDZ domain containing 7; minus strand). Cytogenetic location: 10q24.31.
Variant type: single nucleotide variant.
Coding change: c.2410G>A on transcript NM_001195263.2 (MANE Select); coding-DNA position 2410, G replaced by A.
Protein change: p.Ala804Thr; replaces alanine 804 with threonine.
Molecular consequence: missense variant.
Genome position (GRCh38, 1-based): chr10:101,010,479, C>T on the plus strand (G>A on the coding strand, the complement: PDZD7 is on the minus strand). VCF-style: chr10-101010479-C-T. GRCh37 (hg19) VCF-style: chr10-102770236-C-T.
Other names: short protein forms A804T.
Identifiers: ClinVar variation 1392883 (VCV001392883.8), dbSNP rs766555446, ClinGen allele CA5653970.

ClinVar aggregate classification (germline): Uncertain significance (1 of 4 stars; one submission).

Allele frequency attached by ClinVar (database versions not stated): TOPMed below 0.00001; gnomAD exomes 0.00002 and 0.00003; ExAC 0.00008.
gnomAD v4.1: 24 of 1,535,244 alleles (0.0016%); highest among the groups gnomAD compares: South Asian, 0.024%; 1 homozygote.

Submission:

Labcorp Genetics (formerly Invitae), Labcorp
Classification: Uncertain significance. Last evaluated: 2022-11-22. Review status: criteria provided, single submitter. Criteria: Invitae Variant Classification Sherloc (09022015). Collection method: clinical testing. Allele origin: germline.
Comment: In summary, the available evidence is currently insufficient to determine the role of this variant in disease. Therefore, it has been classified as a Variant of Uncertain Significance. Advanced modeling of protein sequence and biophysical properties (such as structural, functional, and spatial information, amino acid conservation, physicochemical variation, residue mobility, and thermodynamic stability) performed at Invitae indicates that this missense variant is not expected to disrupt PDZD7 protein function. ClinVar contains an entry for this variant (Variation ID: 1392883). This variant has not been reported in the literature in individuals affected with PDZD7-related conditions. This variant is present in population databases (rs766555446, gnomAD 0.02%). This sequence change replaces alanine, which is neutral and non-polar, with threonine, which is neutral and polar, at codon 804 of the PDZD7 protein (p.Ala804Thr).